The following is an entry in ClinVar:

ClinVar aggregate classification (germline): Uncertain significance (1 of 4 stars; one submission).

Allele frequency attached by ClinVar (database versions not stated): gnomAD exomes below 0.00001.

Submission:

Labcorp Genetics (formerly Invitae), Labcorp
Classification: Uncertain significance. Last evaluated: 2023-07-16. Review status: criteria provided, single submitter. Criteria: Invitae Variant Classification Sherloc (09022015). Collection method: clinical testing. Allele origin: germline.
Comment: In summary, the available evidence is currently insufficient to determine the role of this variant in disease. Therefore, it has been classified as a Variant of Uncertain Significance. Advanced modeling of protein sequence and biophysical properties (such as structural, functional, and spatial information, amino acid conservation, physicochemical variation, residue mobility, and thermodynamic stability) performed at Invitae indicates that this missense variant is not expected to disrupt TFAM protein function. This variant has not been reported in the literature in individuals affected with TFAM-related conditions. This variant is not present in population databases (gnomAD no frequency). This sequence change replaces histidine, which is basic and polar, with arginine, which is basic and polar, at codon 137 of the TFAM protein (p.His137Arg).

NM_003201.3(TFAM):c.410A>G (p.His137Arg)

Gene: TFAM (transcription factor A, mitochondrial; plus strand). Cytogenetic location: 10q21.1.
Variant type: single nucleotide variant.
Coding change: c.410A>G on transcript NM_003201.3 (MANE Select); coding-DNA position 410, A replaced by G.
Protein change: p.His137Arg; replaces histidine 137 with arginine.
Molecular consequence: missense variant. On other transcripts: non-coding transcript variant (1).
Genome position (GRCh38, 1-based): chr10:58,388,788, A>G. VCF-style: chr10-58388788-A-G. GRCh37 (hg19) VCF-style: chr10-60148548-A-G.
Other names: c.410A>G, p.His137Arg (NM_001270782.2); short protein forms H137R.
Identifiers: ClinVar variation 2905013 (VCV002905013.3), dbSNP rs2492090640, ClinGen allele CA377059081.
Genomic context (GRCh38, chr10:58,388,788, plus strand): 5'-TTAAAGAACAGCTAACTCCAAGTCAGATTATGTCTTTGGAAAAAGAAATCATGGACAAAC[A>G]TTTAAAAAGGAAAGCTATGACAAAAAAAAAAGTGAGTATCATTGAAATACTTTTTTCTTA-3'
Protein context (NP_003192.1, residues 127-147): MSLEKEIMDK[His137Arg]LKRKAMTKKK